The following is an entry in ClinVar:

ClinVar aggregate classification (germline): Pathogenic/Likely pathogenic. Review status: criteria provided, multiple submitters, no conflicts (2 of 4 stars). 2 submissions from 2 submitters: Pathogenic (1); Likely pathogenic (1). Last evaluated 2024-05-02.

Conditions:
POMK-related disorder. Also called: POMK-related condition.
Limb-girdle muscular dystrophy due to POMK deficiency. Also called: MUSCULAR DYSTROPHY-DYSTROGLYCANOPATHY, LIMB-GIRDLE, POMK-RELATED; Muscular dystrophy-dystroglycanopathy (limb-girdle), type c, 12. Identifiers: Orphanet 445110, MedGen C4015184, MONDO:0014489, OMIM 616094.
Muscular dystrophy-dystroglycanopathy (congenital with brain and eye anomalies), type a, 12 (MDDGA12). Also called: WALKER-WARBURG SYNDROME OR MUSCLE-EYE-BRAIN DISEASE, POMK-RELATED. Identifiers: Orphanet 899, MedGen C3808964, MONDO:0014101, OMIM 615249.

Allele frequency attached by ClinVar (database versions not stated): gnomAD exomes below 0.00001; TOPMed below 0.00001; gnomAD 0.00002.

Submissions (2):

Labcorp Genetics (formerly Invitae), Labcorp
Classification: Pathogenic for Muscular dystrophy-dystroglycanopathy (congenital with brain and eye anomalies), type a, 12; Limb-girdle muscular dystrophy due to POMK deficiency. Last evaluated: 2024-05-02. Review status: criteria provided, single submitter. Criteria: Invitae Variant Classification Sherloc (09022015). Collection method: clinical testing. Allele origin: germline.
Comment: This sequence change creates a premature translational stop signal (p.His133Argfs*9) in the POMK gene. While this is not anticipated to result in nonsense mediated decay, it is expected to disrupt the last 218 amino acid(s) of the POMK protein. This variant is not present in population databases (gnomAD no frequency). This variant has not been reported in the literature in individuals affected with POMK-related conditions. ClinVar contains an entry for this variant (Variation ID: 2634888). This variant disrupts a region of the POMK protein in which other variant(s) (p.Pro322Leu) have been determined to be pathogenic (PMID: 29910097, 30060766). This suggests that this is a clinically significant region of the protein, and that variants that disrupt it are likely to be disease-causing. For these reasons, this variant has been classified as Pathogenic.

PreventionGenetics, part of Exact Sciences
Classification: Likely pathogenic for POMK-related condition. Last evaluated: 2023-06-29. Review status: criteria provided, single submitter. Criteria: ACMG Guidelines, 2015. Collection method: clinical testing. Allele origin: germline.
Comment: The POMK c.398_399delAT variant is predicted to result in a frameshift and premature protein termination (p.His133Argfs*9). To our knowledge, this variant has not been reported in the literature or in a large population database, indicating this variant is rare. Frameshift variants in POMK are expected to be pathogenic. This variant is interpreted as likely pathogenic.

Literature cited by the submitters: PubMed 29910097 (cited by Labcorp Genetics (formerly Invitae), Labcorp); PubMed 30060766 (cited by Labcorp Genetics (formerly Invitae), Labcorp).

NM_032237.5(POMK):c.398_399del (p.His133fs)

Gene: POMK (protein O-mannose kinase; plus strand). Cytogenetic location: 8p11.21.
Variant type: Deletion.
Coding change: c.398_399del on transcript NM_032237.5 (MANE Select); coding-DNA positions 398 to 399, 2 bases deleted (AT; older notation c.398_399delAT).
Protein change: p.His133fs; shifts the reading frame from histidine 133.
Molecular consequence: frameshift variant.
Genome position (GRCh38, 1-based): chr8:43,122,222-43,122,223, AT deleted. VCF-style (leftmost placement, unchanged base first): chr8-43122221-CAT-C. GRCh37 (hg19) VCF-style: chr8-42977364-CAT-C.
Other names: c.398_399del, p.His133fs (NM_001277971.2); short protein forms H133fs.
Identifiers: ClinVar variation 2634888 (VCV002634888.3), dbSNP rs1316985932, ClinGen allele CA851956781.